The following is an entry in ClinVar:

ClinVar aggregate classification (germline): Likely benign. Review status: criteria provided, single submitter (1 of 4 stars). 2 submissions from 2 submitters: Likely benign (1). 1 of the submissions does not count toward it. Last evaluated 2026-05-01.

Conditions:
UVSSA-related disorder. Also called: UVSSA-related condition.

Allele frequency attached by ClinVar (database versions not stated): 1000 Genomes Project 0.00060; 1000 Genomes Project 30x 0.00062; ESP Exome Variant Server 0.00108; gnomAD exomes 0.00187; ExAC 0.00247.
gnomAD v4.1: 2,974 of 1,613,494 alleles (0.18%); highest among the groups gnomAD compares: Non-Finnish European, 0.21%; 11 homozygotes.

Submissions (2):

CeGaT Center for Human Genetics Tuebingen
Classification: Likely benign. Last evaluated: 2026-05-01. Review status: criteria provided, single submitter. Criteria: CeGaT Center For Human Genetics Tuebingen Variant Classification Criteria Version 2. Collection method: clinical testing. Allele origin: germline. Affected: yes. Observed: 1 variant allele.
Comment: UVSSA: BP4, BS2

PreventionGenetics, part of Exact Sciences
Classification: Likely benign for UVSSA-related condition. Last evaluated: 2020-04-29. Review status: no assertion criteria provided. Collection method: clinical testing. Allele origin: germline. Not counted in ClinVar's aggregate classification.
Comment: This variant is classified as likely benign based on ACMG/AMP sequence variant interpretation guidelines (Richards et al. 2015 PMID: 25741868, with internal and published modifications).

NM_020894.4(UVSSA):c.1213G>A (p.Asp405Asn)

Gene: UVSSA (UV stimulated scaffold protein A; plus strand). Cytogenetic location: 4p16.3.
Variant type: single nucleotide variant.
Coding change: c.1213G>A on transcript NM_020894.4 (MANE Select); coding-DNA position 1213, G replaced by A.
Protein change: p.Asp405Asn; replaces aspartic acid 405 with asparagine.
Molecular consequence: missense variant.
Genome position (GRCh38, 1-based): chr4:1,366,356, G>A. VCF-style: chr4-1366356-G-A. GRCh37 (hg19) VCF-style: chr4-1360144-G-A.
Other names: c.1213G>A, p.Asp405Asn (NM_001317934.2, NM_001317935.2); short protein forms D405N.
Identifiers: ClinVar variation 3041833 (VCV003041833.4), dbSNP rs142249516, ClinGen allele CA2806021.